The following is an entry in ClinVar:

ClinVar aggregate classification (germline): Likely benign (1 of 4 stars; one submission).

Submission:

CeGaT Center for Human Genetics Tuebingen
Classification: Likely benign. Last evaluated: 2024-06-01. Review status: criteria provided, single submitter. Criteria: CeGaT Center For Human Genetics Tuebingen Variant Classification Criteria Version 2. Collection method: clinical testing. Allele origin: germline. Affected: yes. Observed: 1 variant allele.
Comment: OTOGL: PM2:Supporting, BP4, BP7

NM_001378609.3(OTOGL):c.6396G>A (p.Lys2132=)

Gene: OTOGL (otogelin like; plus strand). Cytogenetic location: 12q21.31.
Variant type: single nucleotide variant.
Coding change: c.6396G>A on transcript NM_001378609.3 (MANE Select); coding-DNA position 6396, G replaced by A.
Protein change: p.Lys2132=; no amino-acid change (lysine 2132 retained).
Molecular consequence: synonymous variant.
Genome position (GRCh38, 1-based): chr12:80,367,625, G>A. VCF-style: chr12-80367625-G-A. GRCh37 (hg19) VCF-style: chr12-80761405-G-A.
Other names: c.6261G>A, p.Lys2087= (NM_001368062.3); c.6396G>A, p.Lys2132= (NM_001378610.3, NM_173591.7).
Identifiers: ClinVar variation 3250976 (VCV003250976.18), dbSNP rs2541440682.